The following is an entry in ClinVar:

ClinVar aggregate classification (germline): Benign/Likely benign. Review status: criteria provided, multiple submitters, no conflicts (2 of 4 stars). 8 submissions from 8 submitters: Benign (5); Likely benign (2). 1 of the submissions does not count toward it. Last evaluated 2026-04-01.

Conditions:
Intellectual disability. Also called: intellectual disabilities; Intellectual developmental disorder; Intellectual functioning disability. Identifiers: MedGen C3714756, MeSH D008607, MONDO:0001071, HP:0001249.
Developmental and epileptic encephalopathy, 33 (DEE33). Also called: Epileptic encephalopathy, early infantile, 33. Identifiers: Orphanet 442835, MedGen C4225337, MONDO:0014625, OMIM 616409.

Allele frequency attached by ClinVar (database versions not stated): gnomAD exomes 0.00039 and 0.00069; ExAC 0.00084; 1000 Genomes Project 30x 0.00125; 1000 Genomes Project 0.00160; ESP Exome Variant Server 0.00279; gnomAD 0.00293 and 0.00314; TOPMed 0.00338.
gnomAD v4.1: 1,053 of 1,610,278 alleles (0.065%); highest among the groups gnomAD compares: African/African-American, 0.93%; 7 homozygotes.

Submissions (8):

CeGaT Center for Human Genetics Tuebingen
Classification: Likely benign. Last evaluated: 2026-04-01. Review status: criteria provided, single submitter. Criteria: CeGaT Center For Human Genetics Tuebingen Variant Classification Criteria Version 2. Collection method: clinical testing. Allele origin: germline. Affected: yes. Observed: 4 variant alleles.
Comment: EEF1A2: BP4, BS1

Labcorp Genetics (formerly Invitae), Labcorp
Classification: Benign for Developmental and epileptic encephalopathy, 33. Last evaluated: 2026-01-28. Review status: criteria provided, single submitter. Criteria: Invitae Variant Classification Sherloc (09022015). Collection method: clinical testing. Allele origin: germline.

ARUP Laboratories, Molecular Genetics and Genomics, ARUP Laboratories
Classification: Benign. Last evaluated: 2025-01-22. Review status: criteria provided, single submitter. Criteria: ARUP Molecular Germline Variant Investigation Process 2024. Collection method: clinical testing. Allele origin: germline.

Blueprint Genetics
Classification: Likely benign. Last evaluated: 2024-07-02. Review status: criteria provided, single submitter. Criteria: ACMG Guidelines, 2015. Collection method: clinical testing. Allele origin: germline.

Athena Diagnostics
Classification: Benign. Last evaluated: 2017-09-25. Review status: criteria provided, single submitter. Criteria: Athena Diagnostics Criteria. Collection method: clinical testing. Allele origin: germline.

GeneDx
Classification: Benign. Last evaluated: 2016-02-16. Review status: criteria provided, single submitter. Criteria: GeneDx Variant Classification (06012015). Collection method: clinical testing. Allele origin: germline. Affected: yes.
Comment: This variant is considered likely benign or benign based on one or more of the following criteria: it is a conservative change, it occurs at a poorly conserved position in the protein, it is predicted to be benign by multiple in silico algorithms, and/or has population frequency not consistent with disease.

Breakthrough Genomics
Classification: Benign. Review status: criteria provided, single submitter. Criteria: ACMG Guidelines, 2015. Collection method: not provided. Allele origin: germline. Inheritance: Autosomal dominant inheritance. Affected: yes.

Centre de Biologie Pathologie Génétique, Centre Hospitalier Universitaire de Lille
Classification: Likely benign for Intellectual disability. Last evaluated: 2019-01-01. Review status: no assertion criteria provided. Collection method: clinical testing. Allele origin: inherited. Affected: yes. Not counted in ClinVar's aggregate classification.

NM_001958.5(EEF1A2):c.1030-8G>A

Gene: EEF1A2 (eukaryotic translation elongation factor 1 alpha 2; minus strand). Cytogenetic location: 20q13.33.
Variant type: single nucleotide variant.
Coding change: c.1030-8G>A on transcript NM_001958.5 (MANE Select); 8 bases into the intron before coding-DNA position 1030, G replaced by A.
Molecular consequence: intron variant.
Genome position (GRCh38, 1-based): chr20:63,489,160, C>T on the plus strand (G>A on the coding strand, the complement: EEF1A2 is on the minus strand). VCF-style: chr20-63489160-C-T. GRCh37 (hg19) VCF-style: chr20-62120513-C-T.
Identifiers: ClinVar variation 382861 (VCV000382861.42), dbSNP rs112283537, ClinGen allele CA9958967.